The following is an entry in ClinVar:

NM_001458.5(FLNC):c.3123_3126del (p.Tyr1042fs)

Gene: FLNC (filamin C; plus strand). Cytogenetic location: 7q32.1.
Variant type: Deletion.
Coding change: c.3123_3126del on transcript NM_001458.5 (MANE Select); coding-DNA positions 3123 to 3126, 4 bases deleted (CTAC; older notation c.3123_3126delCTAC).
Protein change: p.Tyr1042fs; shifts the reading frame from tyrosine 1042.
Molecular consequence: frameshift variant.
Genome position (GRCh38, 1-based): chr7:128,844,197-128,844,200, CTAC deleted; deleting any 4 consecutive bases within chr7:128,844,195-128,844,200 gives the same sequence; the c. name uses the placement nearest the transcript's 3' end. VCF-style (leftmost placement, unchanged base first): chr7-128844194-CACCT-C. GRCh37 (hg19) VCF-style: chr7-128484248-CACCT-C.
Other names: c.3123_3126del, p.Tyr1042fs (NM_001127487.2); short protein forms Y1042fs.
Identifiers: ClinVar variation 2585960 (VCV002585960.2), dbSNP rs2536635788, ClinGen allele CA2582341951.

ClinVar aggregate classification (germline): Pathogenic (1 of 4 stars; one submission).

Conditions:
Cardiovascular phenotype. Identifiers: MedGen CN230736.

Submission:

Ambry Genetics
Classification: Pathogenic for Cardiovascular phenotype. Last evaluated: 2023-08-02. Review status: criteria provided, single submitter. Criteria: Ambry Variant Classification Scheme 2023. Collection method: clinical testing. Allele origin: germline.
Comment: The c.3123_3126delCTAC pathogenic mutation, located in coding exon 20 of the FLNC gene, results from a deletion of 4 nucleotides at nucleotide positions 3123 to 3126, causing a translational frameshift with a predicted alternate stop codon (p.Y1042Mfs*35). This variant is considered to be rare based on population cohorts in the Genome Aggregation Database (gnomAD). This alteration is expected to result in loss of function by premature protein truncation or nonsense-mediated mRNA decay. Based on the supporting evidence, this variant is expected to be causative of FLNC-related dilated cardiomyopathy; however, its clinical significance for FLNC-related hypertrophy/restrictive cardiomyopathy and/or skeletal myopathy is unclear.